The following is an entry in ClinVar:

NM_004612.4(TGFBR1):c.1022T>C (p.Val341Ala)

Gene: TGFBR1 (transforming growth factor beta receptor 1; plus strand). Cytogenetic location: 9q22.33.
Variant type: single nucleotide variant.
Coding change: c.1022T>C on transcript NM_004612.4 (MANE Select); coding-DNA position 1022, T replaced by C.
Protein change: p.Val341Ala; replaces valine 341 with alanine.
Molecular consequence: missense variant.
Genome position (GRCh38, 1-based): chr9:99,144,780, T>C. VCF-style: chr9-99144780-T-C. GRCh37 (hg19) VCF-style: chr9-101907062-T-C.
Other names: c.1022T>C (NM_004612.2); c.791T>C, p.Val264Ala (NM_001130916.3); c.1034T>C, p.Val345Ala (NM_001306210.2); short protein forms V264A, V345A, V341A.
Identifiers: ClinVar variation 920551 (VCV000920551.8), dbSNP rs1162682079, ClinGen allele CA374231361.

ClinVar aggregate classification (germline): Uncertain significance. Review status: criteria provided, multiple submitters, no conflicts (2 of 4 stars). 4 submissions from 4 submitters: Uncertain significance (4). Last evaluated 2025-05-18.

Conditions:
Loeys-Dietz syndrome (LDS). Identifiers: Orphanet 60030, MedGen C2697932, MONDO:0018954.
Familial thoracic aortic aneurysm and aortic dissection (TAAD). Also called: Thoracic aortic aneurysms and dissections. Identifiers: Orphanet 91387, MedGen C4707243, MONDO:0019625.

Allele frequency attached by ClinVar (database versions not stated): gnomAD exomes below 0.00001; TOPMed below 0.00001; gnomAD 0.00001.
gnomAD v4.1: 4 of 1,613,880 alleles (0.00025%); highest among the groups gnomAD compares: Non-Finnish European, 0.00034%; no homozygotes.

Submissions (4):

Labcorp Genetics (formerly Invitae), Labcorp
Classification: Uncertain significance for Familial thoracic aortic aneurysm and aortic dissection. Last evaluated: 2025-05-18. Review status: criteria provided, single submitter. Criteria: Invitae Variant Classification Sherloc (09022015). Collection method: clinical testing. Allele origin: germline.
Comment: This sequence change replaces valine, which is neutral and non-polar, with alanine, which is neutral and non-polar, at codon 341 of the TGFBR1 protein (p.Val341Ala). This variant is not present in population databases (gnomAD no frequency). This variant has not been reported in the literature in individuals affected with TGFBR1-related conditions. ClinVar contains an entry for this variant (Variation ID: 920551). Invitae Evidence Modeling of protein sequence and biophysical properties (such as structural, functional, and spatial information, amino acid conservation, physicochemical variation, residue mobility, and thermodynamic stability) indicates that this missense variant is expected to disrupt TGFBR1 protein function with a positive predictive value of 80%. In summary, the available evidence is currently insufficient to determine the role of this variant in disease. Therefore, it has been classified as a Variant of Uncertain Significance.

GeneDx
Classification: Uncertain significance. Last evaluated: 2025-03-06. Review status: criteria provided, single submitter. Criteria: GeneDx Variant Classification Process June 2021. Collection method: clinical testing. Allele origin: germline. Affected: yes.
Comment: Not observed at significant frequency in large population cohorts (gnomAD); In silico analysis supports that this missense variant has a deleterious effect on protein structure/function; Has not been previously published as pathogenic or benign to our knowledge

Color Diagnostics, LLC DBA Color Health
Classification: Uncertain significance for Familial thoracic aortic aneurysm and aortic dissection. Last evaluated: 2024-03-07. Review status: criteria provided, single submitter. Criteria: ACMG Guidelines, 2015. Collection method: clinical testing. Allele origin: germline.
Comment: This variant is located in the TGFBR1 protein. Computational prediction suggests that this variant may have deleterious impact on protein structure and function (internally defined REVEL score threshold >= 0.7, PMID: 27666373). To our knowledge, functional studies have not been reported for this variant. This variant has not been reported in individuals affected with TGFBR1-related disorders in the literature. This variant has not been identified in the general population by the Genome Aggregation Database (gnomAD). The available evidence is insufficient to determine the role of this variant in disease conclusively. Therefore, this variant is classified as a Variant of Uncertain Significance.

All of Us Research Program, National Institutes of Health
Classification: Uncertain significance for Loeys-Dietz syndrome. Last evaluated: 2023-08-15. Review status: criteria provided, single submitter. Criteria: ACMG Guidelines, 2015. Collection method: clinical testing. Allele origin: germline. Inheritance: Autosomal dominant inheritance. Observed: 1 variant allele, 1 heterozygote.
Comment: This missense variant replaces valine with alanine at codon 341 of the TGFBR1 protein. Computational prediction tools and conservation analyses suggest that this variant may have deleterious impact on the protein function. Computational splicing tools suggest that this variant may not impact RNA splicing. To our knowledge, functional assays have not been performed for this variant nor has this variant been reported in individuals affected with cardiovascular disorders in the literature. This variant has not been identified in the general population by the Genome Aggregation Database (gnomAD). Available evidence is insufficient to determine the role of this variant in disease conclusively. Therefore, this variant is classified as a Variant of Uncertain Significance.

This study involves interpretation of variants in research participants for the purpose of population health screening. Participant phenotype was not available at the time of variant classification. Additional details can be found in publication PMID: 35346344, PMCID: PMC8962531